The following is an entry in ClinVar:

NM_014855.3(AP5Z1):c.841T>A (p.Ser281Thr)

Gene: AP5Z1 (adaptor related protein complex 5 subunit zeta 1; plus strand). Cytogenetic location: 7p22.1.
Variant type: single nucleotide variant.
Coding change: c.841T>A on transcript NM_014855.3 (MANE Select); coding-DNA position 841, T replaced by A.
Protein change: p.Ser281Thr; replaces serine 281 with threonine.
Molecular consequence: missense variant. On other transcripts: non-coding transcript variant (1).
Genome position (GRCh38, 1-based): chr7:4,784,958, T>A. VCF-style: chr7-4784958-T-A. GRCh37 (hg19) VCF-style: chr7-4824589-T-A.
Other names: c.841T>A, p.Ser281Thr (LRG_1247t1); c.373T>A, p.Ser125Thr (NM_001364858.1); short protein forms S281T, S125T.
Identifiers: ClinVar variation 646623 (VCV000646623.11), dbSNP rs765690642, ClinGen allele CA4137419.

ClinVar aggregate classification (germline): Conflicting classifications of pathogenicity. Review status: criteria provided, conflicting classifications (1 of 4 stars). 3 submissions from 3 submitters: Uncertain significance (2); Likely benign (1). Last evaluated 2024-12-02.

Conditions:
Inborn genetic diseases. Identifiers: MedGen C0950123, MeSH D030342.
Hereditary spastic paraplegia 48. Also called: SPASTIC PARAPLEGIA 48, AUTOSOMAL RECESSIVE; Spastic paraplegia 48. Identifiers: Orphanet 306511, MedGen C3150901, MONDO:0013342, OMIM 613647.

Allele frequency attached by ClinVar (database versions not stated): ExAC 0.00019; gnomAD exomes 0.00028 and 0.00010; gnomAD 0.00006; TOPMed 0.00011.
gnomAD v4.1: 158 of 1,611,876 alleles (0.0098%); highest among the groups gnomAD compares: Admixed American, 0.11%; no homozygotes.

Submissions (3):

Labcorp Genetics (formerly Invitae), Labcorp
Classification: Uncertain significance for Hereditary spastic paraplegia 48. Last evaluated: 2024-12-02. Review status: criteria provided, single submitter. Criteria: Invitae Variant Classification Sherloc (09022015). Collection method: clinical testing. Allele origin: germline.
Comment: This sequence change replaces serine, which is neutral and polar, with threonine, which is neutral and polar, at codon 281 of the AP5Z1 protein (p.Ser281Thr). This variant is present in population databases (rs765690642, gnomAD 0.2%). This variant has not been reported in the literature in individuals affected with AP5Z1-related conditions. ClinVar contains an entry for this variant (Variation ID: 646623). Invitae Evidence Modeling of protein sequence and biophysical properties (such as structural, functional, and spatial information, amino acid conservation, physicochemical variation, residue mobility, and thermodynamic stability) has been performed for this missense variant. However, the output from this modeling did not meet the statistical confidence thresholds required to predict the impact of this variant on AP5Z1 protein function. In summary, the available evidence is currently insufficient to determine the role of this variant in disease. Therefore, it has been classified as a Variant of Uncertain Significance.

Ambry Genetics
Classification: Likely benign for Inborn genetic diseases. Last evaluated: 2022-07-12. Review status: criteria provided, single submitter. Criteria: Ambry Variant Classification Scheme 2023. Collection method: clinical testing. Allele origin: germline.

Illumina Laboratory Services, Illumina
Classification: Uncertain significance for Hereditary spastic paraplegia 48. Last evaluated: 2018-01-12. Review status: criteria provided, single submitter. Criteria: ICSL Variant Classification Criteria 13 December 2019. Collection method: clinical testing. Allele origin: germline.